The following is an entry in ClinVar:

NM_181332.3(NLGN4X):c.2325G>A (p.Thr775=)

Gene: NLGN4X (neuroligin 4 X-linked; minus strand). Cytogenetic location: Xp22.32.
Variant type: single nucleotide variant.
Coding change: c.2325G>A on transcript NM_181332.3 (MANE Select); coding-DNA position 2325, G replaced by A.
Protein change: p.Thr775=; no amino-acid change (threonine 775 retained).
Molecular consequence: synonymous variant.
Genome position (GRCh38, 1-based): chrX:5,892,943, C>T on the plus strand (G>A on the coding strand, the complement: NLGN4X is on the minus strand). VCF-style: chrX-5892943-C-T. GRCh37 (hg19) VCF-style: chrX-5810984-C-T.
Other names: c.2325G>A, p.Thr775= (NM_001282145.2, NM_001282146.2, NM_020742.4).
Identifiers: ClinVar variation 1789642 (VCV001789642.26), dbSNP rs377394394, ClinGen allele CA10340894.
Genomic context (GRCh38, chrX:5,892,943, plus strand): 5'-AAAAGTGTGCAAAGGCTGCATCCCCGTCAGTGTGTTTGGAATCATGGTGATGGTGTTTGG[C>T]GTCATAAGTGGGATGTCATCTGGCGACCGGCGCAGCGTGAGGGTGTAGTCTGGCGGGCAG-3'
Protein context (NP_851849.1, residues 765-785): RRSPDDIPLM[Thr775=]PNTITMIPNT

ClinVar aggregate classification (germline): Likely benign. Review status: criteria provided, multiple submitters, no conflicts (2 of 4 stars). 2 submissions from 2 submitters: Likely benign (2). Last evaluated 2023-05-01.

Conditions:
Inborn genetic diseases. Identifiers: MedGen C0950123, MeSH D030342.

Allele frequency attached by ClinVar (database versions not stated): gnomAD exomes 0.00001; ExAC 0.00003; ESP Exome Variant Server 0.00009.
gnomAD v4.1: 13 of 1,211,371 alleles (0.0011%); highest among the groups gnomAD compares: Middle Eastern, 0.023%; no homozygotes.

Submissions (2):

CeGaT Center for Human Genetics Tuebingen
Classification: Likely benign. Last evaluated: 2023-05-01. Review status: criteria provided, single submitter. Criteria: CeGaT Center For Human Genetics Tuebingen Variant Classification Criteria Version 2. Collection method: clinical testing. Allele origin: germline. Affected: yes. Observed: 1 variant allele.
Comment: NLGN4X: BP4, BP7, BS2

Ambry Genetics
Classification: Likely benign for Inborn genetic diseases. Last evaluated: 2019-05-19. Review status: criteria provided, single submitter. Criteria: Ambry Variant Classification Scheme 2023. Collection method: clinical testing. Allele origin: germline.